The following is an entry in ClinVar:

ClinVar aggregate classification (germline): Uncertain significance. Review status: criteria provided, multiple submitters, no conflicts (2 of 4 stars). 3 submissions from 3 submitters: Uncertain significance (3). Last evaluated 2023-07-11.

Conditions:
Inborn genetic diseases. Identifiers: MedGen C0950123, MeSH D030342.
COG7 congenital disorder of glycosylation (CDG2E). Also called: CONGENITAL DISORDER OF GLYCOSYLATION, TYPE IIe; CDG IIe. Identifiers: Orphanet 79333, MedGen C2931010, MONDO:0012118, OMIM 608779.

Allele frequency attached by ClinVar (database versions not stated): gnomAD exomes 0.00004 and 0.00008; ExAC 0.00010.
gnomAD v4.1: 54 of 1,613,984 alleles (0.0033%); highest among the groups gnomAD compares: South Asian, 0.055%; no homozygotes.

Submissions (3):

Ambry Genetics
Classification: Uncertain significance for Inborn genetic diseases. Last evaluated: 2023-07-11. Review status: criteria provided, single submitter. Criteria: Ambry Variant Classification Scheme 2023. Collection method: clinical testing. Allele origin: germline.

Labcorp Genetics (formerly Invitae), Labcorp
Classification: Uncertain significance for COG7 congenital disorder of glycosylation. Last evaluated: 2022-09-06. Review status: criteria provided, single submitter. Criteria: Invitae Variant Classification Sherloc (09022015). Collection method: clinical testing. Allele origin: germline.
Comment: This variant has not been reported in the literature in individuals affected with COG7-related conditions. In summary, the available evidence is currently insufficient to determine the role of this variant in disease. Therefore, it has been classified as a Variant of Uncertain Significance. Algorithms developed to predict the effect of missense changes on protein structure and function are either unavailable or do not agree on the potential impact of this missense change (SIFT: "Deleterious"; PolyPhen-2: "Possibly Damaging"; Align-GVGD: "Class C0"). ClinVar contains an entry for this variant (Variation ID: 318464). This variant is present in population databases (rs770639224, gnomAD 0.06%). This sequence change replaces alanine, which is neutral and non-polar, with glycine, which is neutral and non-polar, at codon 658 of the COG7 protein (p.Ala658Gly).

Illumina Laboratory Services, Illumina
Classification: Uncertain significance for COG7 congenital disorder of glycosylation. Last evaluated: 2018-01-13. Review status: criteria provided, single submitter. Criteria: ICSL Variant Classification Criteria 13 December 2019. Collection method: clinical testing. Allele origin: germline.

NM_153603.4(COG7):c.1973C>G (p.Ala658Gly)

Gene: COG7 (component of oligomeric golgi complex 7; minus strand). Cytogenetic location: 16p12.2.
Variant type: single nucleotide variant.
Coding change: c.1973C>G on transcript NM_153603.4 (MANE Select); coding-DNA position 1973, C replaced by G.
Protein change: p.Ala658Gly; replaces alanine 658 with glycine.
Molecular consequence: missense variant.
Genome position (GRCh38, 1-based): chr16:23,393,262, G>C on the plus strand (C>G on the coding strand, the complement: COG7 is on the minus strand). VCF-style: chr16-23393262-G-C. GRCh37 (hg19) VCF-style: chr16-23404583-G-C.
Other names: short protein forms A658G.
Identifiers: ClinVar variation 318464 (VCV000318464.13), dbSNP rs770639224, ClinGen allele CA7960823.
Genomic context (GRCh38, chr16:23,393,262, plus strand): 5'-TGTAACATCGCCAGAAACGGTCCCCGCTTACCCTGCTCAGGAGGAAATGGCAGCTTTCCA[G>C]CGTGCAATGCCAACTCTAAGGCAGAGTCCTCCTGAGTCACAAATGGCTCAAGATTCAGGG-3'
Protein context (NP_705831.1, residues 648-668): EDSALELALH[Ala658Gly]GKLPFPPEQG